The following is an entry in ClinVar:

ClinVar aggregate classification (germline): Likely pathogenic. Review status: criteria provided, single submitter (1 of 4 stars). 2 submissions from 2 submitters: Likely pathogenic (1). 1 of the submissions does not count toward it. Last evaluated 2023-11-20.

Conditions:
Ehlers-Danlos syndrome, type 4 (EDSVASC). Also called: Ehlers-Danlos syndrome vascular type; Ehlers Danlos syndrome, ecchymotic type; Ehlers Danlos syndrome, arterial type; Ehlers Danlos syndrome, Sack-Barabas type; Ehlers-Danlos Syndrome Type IV. Identifiers: Orphanet 286, MedGen C0268338, MONDO:0017314, OMIM 130050.

Submissions (2):

Labcorp Genetics (formerly Invitae), Labcorp
Classification: Likely pathogenic for Ehlers-Danlos syndrome, type 4. Last evaluated: 2023-11-20. Review status: criteria provided, single submitter. Criteria: Invitae Variant Classification Sherloc (09022015). Collection method: clinical testing. Allele origin: germline.
Comment: This sequence change replaces glycine, which is neutral and non-polar, with arginine, which is basic and polar, at codon 735 of the COL3A1 protein (p.Gly735Arg). This variant is not present in population databases (gnomAD no frequency). This missense change has been observed in individual(s) with clinical features of vascular Ehlers-Danlos syndrome (PMID: 24922459; Invitae). ClinVar contains an entry for this variant (Variation ID: 101179). Advanced modeling of protein sequence and biophysical properties (such as structural, functional, and spatial information, amino acid conservation, physicochemical variation, residue mobility, and thermodynamic stability) performed at Invitae indicates that this missense variant is expected to disrupt COL3A1 protein function with a positive predictive value of 95%. This variant disrupts the triple helix domain of COL3A1. Glycine residues within the Gly-Xaa-Yaa repeats of the triple helix domain are required for the structure and stability of fibrillar collagens (PMID: 7695699, 8218237, 19344236). In COL3A1, variants that affect these glycine residues are significantly enriched in individuals with disease (PMID: 24922459, 25758994) compared to the general population (ExAC). In summary, the currently available evidence indicates that the variant is pathogenic, but additional data are needed to prove that conclusively. Therefore, this variant has been classified as Likely Pathogenic.

Collagen Diagnostic Laboratory, University of Washington
Classification: Pathogenic for Ehlers-Danlos syndrome, type 4. Review status: no assertion criteria provided. Collection method: clinical testing. Allele origin: germline. Affected: yes. Not counted in ClinVar's aggregate classification.

Literature cited by the submitters: PubMed 24922459 (cited by Labcorp Genetics (formerly Invitae), Labcorp); PubMed 7695699 (cited by Labcorp Genetics (formerly Invitae), Labcorp); PubMed 8218237 (cited by Labcorp Genetics (formerly Invitae), Labcorp); PubMed 19344236 (cited by Labcorp Genetics (formerly Invitae), Labcorp); PubMed 25758994 (cited by Labcorp Genetics (formerly Invitae), Labcorp).

NM_000090.4(COL3A1):c.2203G>A (p.Gly735Arg)

Gene: COL3A1 (collagen type III alpha 1 chain; plus strand). Cytogenetic location: 2q32.2.
Variant type: single nucleotide variant.
Coding change: c.2203G>A on transcript NM_000090.4 (MANE Select); coding-DNA position 2203, G replaced by A.
Protein change: p.Gly735Arg; replaces glycine 735 with arginine.
Molecular consequence: missense variant.
Genome position (GRCh38, 1-based): chr2:188,999,551, G>A. VCF-style: chr2-188999551-G-A. GRCh37 (hg19) VCF-style: chr2-189864277-G-A.
Identifiers: ClinVar variation 101179 (VCV000101179.7), dbSNP rs587779484, ClinGen allele CA005179.